The following is an entry in ClinVar:

ClinVar aggregate classification (germline): Uncertain significance. Review status: reviewed by expert panel (3 of 4 stars). 3 submissions from 3 submitters: Uncertain significance (1). 2 of the submissions do not count toward it. Last evaluated 2025-08-25.

Conditions:
Monogenic diabetes. Identifiers: Orphanet 183625, MedGen C3888631, MONDO:0015967.

Submissions (3):

ClinGen Monogenic Diabetes Variant Curation Expert Panel
Classification: Uncertain significance for Monogenic diabetes. Last evaluated: 2025-08-25. Review status: reviewed by expert panel. Criteria: ClinGen Diabetes ACMG Specifications HNF1A V3.0.0. Collection method: curation. Allele origin: germline. Inheritance: Autosomal dominant inheritance.
Comment: The c.1576G>T variant in the HNF1 homeobox A gene, HNF1A, causes an amino acid change of asparagine to tyrosine at codon 526 (p.(Asp526Tyr)) of NM_000545.8. This variant is predicted to be deleterious by computational evidence, with a REVEL score of 0.9729, which is greater than the MDEP VCEP threshold of 0.70 (PP3) and is absent from gnomAD v4.1.0 (PM2_Supporting). This variant was identified in three unrelated individuals with non-autoimmune and non-absolute/near-absolute insulin-deficient diabetes; however, PS4_Moderate cannot be applied because this number is below the ClinGen MDEP threshold (PMID: 18003757, internal lab contributors). One of these individuals did have a clinical history highly specific for HNF1A-monogenic diabetes (MODY probability calculator result >50%, negative genetic testing for HNF4A, and negative antibodies) (PP4_Moderate; internal lab contributors). This variant segregated with diabetes with two informative meioses in two families (PP1; PMID: 18003757; internal lab contributors). Another missense variant, c.1576G>A (p.(Asp526Asn)), has been classified as a VUS by the ClinGen MDEP; therefore, PM5 will not be applied. In summary, c.1576G>T meets the criteria to be classified as a variant of uncertain significance for monogenic diabetes. ACMG/AMP criteria applied, as specified by the ClinGen MDEP (specification version 3.0.0, approved 6/30/2025): PM2_Supporting, PP1, PP3, PP4_Moderate.

Athena Diagnostics
Classification: Uncertain significance. Last evaluated: 2025-08-15. Review status: criteria provided, single submitter. Criteria: Athena Diagnostics Criteria. Collection method: clinical testing. Allele origin: unknown. Not counted in ClinVar's aggregate classification.
Comment: Available data are insufficient to determine the clinical significance of the variant at this time. This variant has not been reported in large, multi-ethnic general populations. This variant has been identified in at least one individual with clinical features associated with this gene. Polyphen and MutationTaster predict this amino acid change may be damaging to the protein.

GeneDx
Classification: Uncertain significance. Last evaluated: 2025-07-29. Review status: criteria provided, single submitter. Criteria: GeneDx Variant Classification Process June 2021. Collection method: clinical testing. Allele origin: germline. Affected: yes. Not counted in ClinVar's aggregate classification.
Comment: Identified in a patient belonging to a cohort of patients diagnosed with MODY3 in published literature (PMID: 18003757); Not observed at significant frequency in large population cohorts (gnomAD); In silico analysis supports that this missense variant has a deleterious effect on protein structure/function; This variant is associated with the following publications: (PMID: 21224407, 18003757)

Literature cited by the submitters: PubMed 18003757 (cited by ClinGen Monogenic Diabetes Variant Curation Expert Panel and Athena Diagnostics); PubMed 23348805 (cited by Athena Diagnostics).

NM_000545.8(HNF1A):c.1576G>T (p.Asp526Tyr)

Gene: HNF1A (HNF1 homeobox A; plus strand). Cytogenetic location: 12q24.31.
Variant type: single nucleotide variant.
Coding change: c.1576G>T on transcript NM_000545.8 (MANE Select); coding-DNA position 1576, G replaced by T.
Protein change: p.Asp526Tyr; replaces aspartic acid 526 with tyrosine.
Molecular consequence: missense variant.
Genome position (GRCh38, 1-based): chr12:120,999,342, G>T. VCF-style: chr12-120999342-G-T. GRCh37 (hg19) VCF-style: chr12-121437145-G-T.
Other names: NM_001306179.2:c.1576G>T; c.1576G>T, p.Asp526Tyr (NM_001306179.2); c.1384G>T, p.Asp462Tyr (NM_001406915.1); short protein forms D462Y, D526Y.
Identifiers: ClinVar variation 1804171 (VCV001804171.6), dbSNP rs1315721381, ClinGen allele CA386972011.
Genomic context (GRCh38, chr12:120,999,342, plus strand): 5'-AAGCCCGAGGTGGCCCAGTACACCCACACGGGCCTGCTCCCGCAGACTATGCTCATCACC[G>T]ACACCACCAACCTGAGCGCCCTGGCCAGCCTCACGCCCACCAAGCAGGTAAGGTCCAGGC-3'
Protein context (NP_000536.6, residues 516-536): GLLPQTMLIT[Asp526Tyr]TTNLSALASL